The following is an entry in ClinVar:

NM_003482.4(KMT2D):c.4642G>A (p.Asp1548Asn)

Gene: KMT2D (lysine methyltransferase 2D; minus strand). Cytogenetic location: 12q13.12.
Variant type: single nucleotide variant.
Coding change: c.4642G>A on transcript NM_003482.4 (MANE Select); coding-DNA position 4642, G replaced by A.
Protein change: p.Asp1548Asn; replaces aspartic acid 1548 with asparagine.
Molecular consequence: missense variant.
Genome position (GRCh38, 1-based): chr12:49,046,116, C>T on the plus strand (G>A on the coding strand, the complement: KMT2D is on the minus strand). VCF-style: chr12-49046116-C-T. GRCh37 (hg19) VCF-style: chr12-49439899-C-T.
Other names: short protein forms D1548N.
Identifiers: ClinVar variation 194738 (VCV000194738.14), dbSNP rs774736686, ClinGen allele CA240880.

ClinVar aggregate classification (germline): Conflicting classifications of pathogenicity. Review status: criteria provided, conflicting classifications (1 of 4 stars). 3 submissions from 3 submitters: Uncertain significance (2); Benign (1). Last evaluated 2025-05-27.

Conditions:
Kabuki syndrome. Also called: NIIKAWA-KUROKI SYNDROME; Kabuki make-up syndrome. Identifiers: Orphanet 2322, MedGen C0796004, MONDO:0016512.

Allele frequency attached by ClinVar (database versions not stated): TOPMed below 0.00001; ExAC 0.00001; gnomAD 0.00001; gnomAD exomes 0.00001 and 0.00002.
gnomAD v4.1: 25 of 1,610,494 alleles (0.0016%); highest among the groups gnomAD compares: East Asian, 0.0022%; no homozygotes.

Submissions (3):

Labcorp Genetics (formerly Invitae), Labcorp
Classification: Benign for Kabuki syndrome. Last evaluated: 2025-05-27. Review status: criteria provided, single submitter. Criteria: Invitae Variant Classification Sherloc (09022015). Collection method: clinical testing. Allele origin: germline.

GeneDx
Classification: Uncertain significance. Last evaluated: 2023-02-06. Review status: criteria provided, single submitter. Criteria: GeneDx Variant Classification Process June 2021. Collection method: clinical testing. Allele origin: germline. Affected: yes.
Comment: In silico analysis supports that this missense variant has a deleterious effect on protein structure/function; Has not been previously published as pathogenic or benign to our knowledge

Eurofins Ntd Llc (ga)
Classification: Uncertain significance. Last evaluated: 2014-12-22. Review status: criteria provided, single submitter. Criteria: EGL Classification Definitions 2015. Collection method: clinical testing. Allele origin: germline. Observed: 1 variant allele, 1 heterozygote.